The following is an entry in ClinVar:

ClinVar aggregate classification (germline): Uncertain significance (1 of 4 stars; one submission).

gnomAD v4.1: 79 of 1,539,312 alleles (0.0051%); highest among the groups gnomAD compares: Admixed American, 0.15%; no homozygotes.

Submission:

GeneDx
Classification: Uncertain significance. Last evaluated: 2024-03-22. Review status: criteria provided, single submitter. Criteria: GeneDx Variant Classification Process June 2021. Collection method: clinical testing. Allele origin: germline. Affected: yes.
Comment: Has not been previously published as pathogenic or benign to our knowledge; In silico analysis is inconclusive as to whether the variant alters gene splicing. In the absence of RNA/functional studies, the actual effect of this sequence change is unknown.

NM_001367479.1(DNAH14):c.4741-9G>A

Gene: DNAH14 (dynein axonemal heavy chain 14; plus strand). Cytogenetic location: 1q42.12.
Variant type: single nucleotide variant.
Coding change: c.4741-9G>A on transcript NM_001367479.1 (MANE Select); 9 bases into the intron before coding-DNA position 4741, G replaced by A.
Molecular consequence: intron variant.
Genome position (GRCh38, 1-based): chr1:225,145,317, G>A. VCF-style: chr1-225145317-G-A. GRCh37 (hg19) VCF-style: chr1-225333019-G-A.
Identifiers: ClinVar variation 3371091 (VCV003371091.1).